The following is an entry in ClinVar:

ClinVar aggregate classification (germline): Uncertain significance (1 of 4 stars; one submission).

Conditions:
Myofibrillar myopathy 5. Also called: FILAMINOPATHY, AUTOSOMAL DOMINANT; Filaminopathy (type). Identifiers: Orphanet 171445, MedGen C1836050, MONDO:0012289, OMIM 609524.
Hypertrophic cardiomyopathy 26. Also called: Cardiomyopathy, familial hypertrophic, 26. Identifiers: Orphanet 75249, MedGen C4310749, MONDO:0014883, OMIM 617047.
Distal myopathy with posterior leg and anterior hand involvement. Also called: WILLIAMS DISTAL MYOPATHY. Identifiers: Orphanet 63273, MedGen C3279722, MONDO:0013550, OMIM 614065.

Submission:

Labcorp Genetics (formerly Invitae), Labcorp
Classification: Uncertain significance for Distal myopathy with posterior leg and anterior hand involvement; Myofibrillar myopathy 5; Hypertrophic cardiomyopathy 26. Last evaluated: 2025-03-18. Review status: criteria provided, single submitter. Criteria: Invitae Variant Classification Sherloc (09022015). Collection method: clinical testing. Allele origin: germline.
Comment: This sequence change replaces isoleucine, which is neutral and non-polar, with threonine, which is neutral and polar, at codon 1011 of the FLNC protein (p.Ile1011Thr). This variant is not present in population databases (gnomAD no frequency). This variant has not been reported in the literature in individuals affected with FLNC-related conditions. ClinVar contains an entry for this variant (Variation ID: 948368). Invitae Evidence Modeling of protein sequence and biophysical properties (such as structural, functional, and spatial information, amino acid conservation, physicochemical variation, residue mobility, and thermodynamic stability) has been performed for this missense variant. However, the output from this modeling did not meet the statistical confidence thresholds required to predict the impact of this variant on FLNC protein function. In summary, the available evidence is currently insufficient to determine the role of this variant in disease. Therefore, it has been classified as a Variant of Uncertain Significance.

NM_001458.5(FLNC):c.3032T>C (p.Ile1011Thr)

Gene: FLNC (filamin C; plus strand). Cytogenetic location: 7q32.1.
Variant type: single nucleotide variant.
Coding change: c.3032T>C on transcript NM_001458.5 (MANE Select); coding-DNA position 3032, T replaced by C.
Protein change: p.Ile1011Thr; replaces isoleucine 1011 with threonine.
Molecular consequence: missense variant.
Genome position (GRCh38, 1-based): chr7:128,844,106, T>C. VCF-style: chr7-128844106-T-C. GRCh37 (hg19) VCF-style: chr7-128484160-T-C.
Other names: c.3032T>C, p.Ile1011Thr (NM_001127487.2); short protein forms I1011T.
Identifiers: ClinVar variation 948368 (VCV000948368.8), dbSNP rs1808454823, ClinGen allele CA369194026.
Genomic context (GRCh38, chr7:128,844,106, plus strand): 5'-GAGGGGCTGGCGGTCAGGGCCAACTGGATGTGCGGATGACTTCGCCCTCTCGCCGGCCCA[T>C]CCCCTGCAAGCTGGAGCCAGGCGGTGGAGCGGAAGCCCAGGCTGTGCGCTACATGCCCCC-3'
Protein context (NP_001449.3, residues 1001-1021): VRMTSPSRRP[Ile1011Thr]PCKLEPGGGA